The following is an entry in ClinVar:

NM_005422.4(TECTA):c.1705C>T (p.Gln569Ter)

Genes: TECTA (tectorin alpha; plus strand), TBCEL-TECTA (TBCEL-TECTA readthrough; plus strand). Cytogenetic location: 11q23.3.
Variant type: single nucleotide variant.
Coding change: c.1705C>T on transcript NM_005422.4 (MANE Select); coding-DNA position 1705, C replaced by T.
Protein change: p.Gln569Ter; replaces glutamine 569 with a stop codon.
Molecular consequence: nonsense.
Genome position (GRCh38, 1-based): chr11:121,125,803, C>T. VCF-style: chr11-121125803-C-T. GRCh37 (hg19) VCF-style: chr11-120996512-C-T.
Other names: NM_005422.2:c.1705C>T; c.2662C>T, p.Gln888Ter (NM_001378761.1); short protein forms Q569*, Q888*.
Identifiers: ClinVar variation 1334118 (VCV001334118.2), dbSNP rs1946605498, ClinGen allele CA383012533.

ClinVar aggregate classification (germline): Pathogenic (1 of 4 stars; one submission).

Conditions:
Autosomal recessive nonsyndromic hearing loss 21. Identifiers: Orphanet 90636, MedGen C1863655, MONDO:0011351, OMIM 603629.

Allele frequency attached by ClinVar (database versions not stated): TOPMed 0.00001.

Submission:

King Laboratory, University of Washington
Classification: Pathogenic for Autosomal recessive nonsyndromic hearing loss 21. Last evaluated: 2020-08-01. Review status: criteria provided, single submitter. Criteria: Abu Rayyan A et al. (Proc Natl Acad Sci U S A 2020). Collection method: research. Allele origin: germline. Affected: yes.
Comment: TECTA c.1705C>T, p.Q569* is homozygous in two children from a Palestinian family with pre-lingual moderate to severe hearing loss (Abu Rayyan 2020). The variant is absent from 1300 Palestinian controls and absent from gnomAD v2.1.1.